The following is an entry in ClinVar:

ClinVar aggregate classification (germline): Likely benign (0 of 4 stars; one submission).

Conditions:
SLIT3-related disorder. Also called: SLIT3-related condition.

Allele frequency attached by ClinVar (database versions not stated): TOPMed 0.00013; ESP Exome Variant Server 0.00015; gnomAD 0.00024; gnomAD exomes 0.00033; ExAC 0.00085; 1000 Genomes Project 30x 0.00094; 1000 Genomes Project 0.00100.
gnomAD v4.1: 522 of 1,614,196 alleles (0.032%); highest among the groups gnomAD compares: South Asian, 0.44%; 3 homozygotes.

Submission:

PreventionGenetics, part of Exact Sciences
Classification: Likely benign for SLIT3-related condition. Last evaluated: 2022-10-19. Review status: no assertion criteria provided. Collection method: clinical testing. Allele origin: germline.
Comment: This variant is classified as likely benign based on ACMG/AMP sequence variant interpretation guidelines (Richards et al. 2015 PMID: 25741868, with internal and published modifications).

NM_003062.4(SLIT3):c.699A>G (p.Arg233=)

Gene: SLIT3 (slit guidance ligand 3; minus strand). Cytogenetic location: 5q34.
Variant type: single nucleotide variant.
Coding change: c.699A>G on transcript NM_003062.4 (MANE Select); coding-DNA position 699, A replaced by G.
Protein change: p.Arg233=; no amino-acid change (arginine 233 retained).
Molecular consequence: synonymous variant.
Genome position (GRCh38, 1-based): chr5:168,817,394, T>C on the plus strand (A>G on the coding strand, the complement: SLIT3 is on the minus strand). VCF-style: chr5-168817394-T-C. GRCh37 (hg19) VCF-style: chr5-168244399-T-C.
Other names: c.699A>G, p.Arg233= (NM_001271946.2).
Identifiers: ClinVar variation 3056199 (VCV003056199.2), dbSNP rs145745913, ClinGen allele CA3552031.